The following is an entry in ClinVar:

ClinVar aggregate classification (germline): Likely benign (1 of 4 stars; one submission).

Submission:

CeGaT Center for Human Genetics Tuebingen
Classification: Likely benign. Last evaluated: 2022-11-01. Review status: criteria provided, single submitter. Criteria: CeGaT Center For Human Genetics Tuebingen Variant Classification Criteria Version 2. Collection method: clinical testing. Allele origin: germline. Affected: yes. Observed: 1 variant allele.
Comment: MIA2: PM2:Supporting, BP4, BP7

NM_001329214.4(MIA2):c.2661T>A (p.Ala887=)

Gene: MIA2 (MIA SH3 domain ER export factor 2; plus strand). Cytogenetic location: 14q21.1.
Variant type: single nucleotide variant.
Coding change: c.2661T>A on transcript NM_001329214.4 (MANE Select); coding-DNA position 2661, T replaced by A.
Protein change: p.Ala887=; no amino-acid change (alanine 887 retained).
Molecular consequence: synonymous variant. On other transcripts: non-coding transcript variant (3).
Genome position (GRCh38, 1-based): chr14:39,302,170, T>A. VCF-style: chr14-39302170-T-A. GRCh37 (hg19) VCF-style: chr14-39771374-T-A.
Other names: c.819T>A, p.Ala273= (NM_001354150.2); c.864T>A, p.Ala288= (NM_001354151.2, NM_001354152.3); c.759T>A, p.Ala253= (NM_001354153.2, NM_001354157.2); c.837T>A, p.Ala279= (NM_001354154.2, NM_001354155.2, NM_005930.4 and 1 more transcripts); c.519T>A, p.Ala173= (NM_001354156.2); c.801T>A, p.Ala267= (NM_203354.3, NM_001354146.2); c.750T>A, p.Ala250= (NM_203356.2, NM_001247988.1, NM_001354137.2 and 3 more transcripts); c.852T>A, p.Ala284= (NM_001247989.2); and 3 more.
Identifiers: ClinVar variation 2644193 (VCV002644193.24), dbSNP rs2549572279, ClinGen allele CA486106159.
Genomic context (GRCh38, chr14:39,302,170, plus strand): 5'-CCCTTTGTTCAATGTCAAGACTCTGACTGAACGCTTGTTAAAGATGAAAGATTGGGCTGC[T>A]ATGCTTGGAGAAGACATAACGGATGATGATAACTTGGAATTAGAAATGAACAGTGAATCG-3'
Protein context (NP_001316143.1, residues 877-897): ERLLKMKDWA[Ala887=]MLGEDITDDD